The following is an entry in ClinVar:

ClinVar aggregate classification (germline): Likely pathogenic (1 of 4 stars; one submission).

Conditions:
Dilated cardiomyopathy 1G (CMD1G). Identifiers: Orphanet 154, MedGen C1858763, MONDO:0011400, OMIM 604145.
Autosomal recessive limb-girdle muscular dystrophy type 2J (LGMDR10). Also called: Limb-girdle muscular dystrophy, type 2J; MUSCULAR DYSTROPHY, LIMB-GIRDLE, AUTOSOMAL RECESSIVE 10. Identifiers: Orphanet 140922, MedGen C1837342, MONDO:0012127, OMIM 608807.

gnomAD v4.1: 1 of 1,613,900 alleles (0.000062%); highest among the groups gnomAD compares: Non-Finnish European, 0.000085%; no homozygotes.

Submission:

Labcorp Genetics (formerly Invitae), Labcorp
Classification: Likely pathogenic for Dilated cardiomyopathy 1G; Autosomal recessive limb-girdle muscular dystrophy type 2J. Last evaluated: 2023-12-06. Review status: criteria provided, single submitter. Criteria: Invitae Variant Classification Sherloc (09022015). Collection method: clinical testing. Allele origin: germline.
Comment: This sequence change creates a premature translational stop signal (p.Tyr34183*) in the TTN gene. While this is not anticipated to result in nonsense mediated decay, it is expected to create a truncated TTN protein. This variant is not present in population databases (gnomAD no frequency). This premature translational stop signal has been observed in individual(s) with peripartum dilated cardiomyopathy (Invitae). This variant is located in the M band of TTN (PMID: 25589632). Truncating variants in this region have been previously reported in individuals affected with autosomal recessive myopathy and muscular dystrophy (PMID: 18948003, 23975875, 24395473). Truncating variants in this region have also been identified in individuals affected with autosomal dominant dilated cardiomyopathy and/or cardio-related conditions (PMID: 27869827, 32964742). In summary, the currently available evidence indicates that the variant is pathogenic, but additional data are needed to prove that conclusively. Therefore, this variant has been classified as Likely Pathogenic.

Literature cited by the submitters: PubMed 25589632; PubMed 18948003; PubMed 23975875; PubMed 24395473; PubMed 27869827; PubMed 32964742.

NM_001267550.2(TTN):c.102549C>A (p.Tyr34183Ter)

Genes: TTN (titin; minus strand), TTN-AS1 (TTN antisense RNA 1; plus strand). Cytogenetic location: 2q31.2.
Variant type: single nucleotide variant.
Coding change: c.102549C>A on transcript NM_001267550.2 (MANE Select); coding-DNA position 102549, C replaced by A.
Protein change: p.Tyr34183Ter; replaces tyrosine 34183 with a stop codon.
Molecular consequence: nonsense.
Genome position (GRCh38, 1-based): chr2:178,534,066, G>T on the plus strand (C>A on the coding strand, the complement: TTN is on the minus strand). VCF-style: chr2-178534066-G-T. GRCh37 (hg19) VCF-style: chr2-179398793-G-T.
Other names: c.97626C>A, p.Tyr32542Ter (NM_001256850.1); c.75354C>A, p.Tyr25118Ter (NM_003319.4); c.94845C>A, p.Tyr31615Ter (NM_133378.4); c.75729C>A, p.Tyr25243Ter (NM_133432.3); c.75930C>A, p.Tyr25310Ter (NM_133437.4); short protein forms Y25310*, Y34183*, Y31615*, Y32542*, Y25118*, Y25243*.
Identifiers: ClinVar variation 2944840 (VCV002944840.3), dbSNP rs761394437, ClinGen allele CA349417288.